The following is an entry in ClinVar:

ClinVar aggregate classification (germline): Conflicting classifications of pathogenicity. Review status: criteria provided, conflicting classifications (1 of 4 stars). 2 submissions from 2 submitters: Likely pathogenic (1); Uncertain significance (1). Last evaluated 2019-07-26.

Conditions:
Dilated cardiomyopathy 1D. Identifiers: Orphanet 154, Orphanet 54260, MedGen C1832243, MONDO:0011095, OMIM 601494.

Submissions (2):

Institute of Human Genetics Munich, TUM University Hospital
Classification: Likely pathogenic for Dilated cardiomyopathy 1D. Last evaluated: 2019-07-26. Review status: criteria provided, single submitter. Criteria: Classification criteria August 2017. Collection method: clinical testing. Allele origin: germline, maternal. Inheritance: Autosomal dominant inheritance. Affected: yes. Observed: 2 heterozygotes.

Laboratory for Molecular Medicine, Mass General Brigham Personalized Medicine
Classification: Uncertain significance. Last evaluated: 2016-01-08. Review status: criteria provided, single submitter. Criteria: LMM Criteria. Collection method: clinical testing. Allele origin: germline. Observed: 1 variant allele.
Comment: Variant classified as Uncertain Significance - Favor Pathogenic. The p.Arg205Pro variant in TNNT2 has not been previously reported in individuals with cardiomyo pathy or in large population studies. Arginine (Arg) at position 205 is highly conserved in mammals and across evolutionarily distant species and the change to proline (Pro) was predicted to be pathogenic using a computational tool clinica lly validated by our laboratory. This tool's pathogenic prediction is estimated to be correct 94% of the time (Jordan 2011). In summary, while there is some sus picion for a pathogenic role, the clinical significance of the p.Arg205Pro varia nt is uncertain.

Literature cited by the submitters: PubMed 20031601 (cited by Laboratory for Molecular Medicine, Mass General Brigham Personalized Medicine); PubMed 15542288 (cited by Laboratory for Molecular Medicine, Mass General Brigham Personalized Medicine); PubMed 19412328 (cited by Laboratory for Molecular Medicine, Mass General Brigham Personalized Medicine); PubMed 26498512 (cited by Laboratory for Molecular Medicine, Mass General Brigham Personalized Medicine); PubMed 15923195 (cited by Laboratory for Molecular Medicine, Mass General Brigham Personalized Medicine); PubMed 17932326 (cited by Laboratory for Molecular Medicine, Mass General Brigham Personalized Medicine); PubMed 22675533 (cited by Laboratory for Molecular Medicine, Mass General Brigham Personalized Medicine).

NM_001276345.2(TNNT2):c.644G>C (p.Arg215Pro)

Gene: TNNT2 (troponin T2, cardiac type; minus strand). Cytogenetic location: 1q32.1.
Variant type: single nucleotide variant.
Coding change: c.644G>C on transcript NM_001276345.2 (MANE Select); coding-DNA position 644, G replaced by C.
Protein change: p.Arg215Pro; replaces arginine 215 with proline.
Molecular consequence: missense variant.
Genome position (GRCh38, 1-based): chr1:201,361,988, C>G on the plus strand (G>C on the coding strand, the complement: TNNT2 is on the minus strand). VCF-style: chr1-201361988-C-G. GRCh37 (hg19) VCF-style: chr1-201331116-C-G.
Other names: c.635G>C, p.Arg212Pro (NM_000364.4); c.614G>C, p.Arg205Pro (NM_001001430.3, NM_001276347.2); c.605G>C, p.Arg202Pro (NM_001001431.3); c.596G>C, p.Arg199Pro (NM_001001432.3); c.515G>C, p.Arg172Pro (NM_001276346.2); short protein forms R205P, R212P, R215P, R172P, R199P, R202P.
Identifiers: ClinVar variation 229338 (VCV000229338.8), dbSNP rs121964860, ClinGen allele CA10576369.
Genomic context (GRCh38, chr1:201,361,988, plus strand): 5'-TTCAGGTGGTCAATGGCCAGCACCTTCCTCCTCTCAGCCAGAATCTTCTTCTTCTTTTCC[C>G]GCTCAGTCTGCCTCTTCCCACTTTTCCGCTCTGTCTGGAGGGTGTGGGAAGCAGAGTAAA-3'
Protein context (NP_001263274.1, residues 205-225): ERKSGKRQTE[Arg215Pro]EKKKKILAER